The following is an entry in ClinVar:

ClinVar aggregate classification (germline): Uncertain significance. Review status: criteria provided, multiple submitters, no conflicts (2 of 4 stars). 3 submissions from 3 submitters: Uncertain significance (2). 1 of the submissions does not count toward it. Last evaluated 2022-07-12.

Conditions:
Ornithine aminotransferase deficiency (GACR). Also called: Ornithine ketoacid aminotransferase deficiency; Gyrate atrophy; Gyrate atrophy of choroid and retina; Girate atrophy of the retina; HYPERORNITHINEMIA WITH GYRATE ATROPHY OF CHOROID AND RETINA; OAT DEFICIENCY. Identifiers: Orphanet 414, MedGen C0018425, MONDO:0009796, OMIM 258870.

Allele frequency attached by ClinVar (database versions not stated): gnomAD exomes below 0.00001; gnomAD 0.00001; TOPMed 0.00001; ESP Exome Variant Server 0.00008.
gnomAD v4.1: 6 of 1,613,200 alleles (0.00037%); highest among the groups gnomAD compares: African/African-American, 0.0053%; no homozygotes.

Submissions (3):

Labcorp Genetics (formerly Invitae), Labcorp
Classification: Uncertain significance for Ornithine aminotransferase deficiency. Last evaluated: 2022-07-12. Review status: criteria provided, single submitter. Criteria: Invitae Variant Classification Sherloc (09022015). Collection method: clinical testing. Allele origin: germline.
Comment: This sequence change replaces asparagine, which is neutral and polar, with serine, which is neutral and polar, at codon 326 of the OAT protein (p.Asn326Ser). This variant is present in population databases (rs371878605, gnomAD 0.01%). This variant has not been reported in the literature in individuals affected with OAT-related conditions. ClinVar contains an entry for this variant (Variation ID: 954496). Algorithms developed to predict the effect of missense changes on protein structure and function are either unavailable or do not agree on the potential impact of this missense change (SIFT: "Deleterious"; PolyPhen-2: "Possibly Damaging"; Align-GVGD: "Class C0"). In summary, the available evidence is currently insufficient to determine the role of this variant in disease. Therefore, it has been classified as a Variant of Uncertain Significance.

Blueprint Genetics
Classification: Uncertain significance. Last evaluated: 2019-05-08. Review status: criteria provided, single submitter. Criteria: ACMG Guidelines, 2015. Collection method: clinical testing. Allele origin: germline.

Natera, Inc.
Classification: Uncertain significance for Gyrate atrophy. Last evaluated: 2025-02-16. Review status: no assertion criteria provided. Collection method: clinical testing. Allele origin: germline. Not counted in ClinVar's aggregate classification.

NM_000274.4(OAT):c.977A>G (p.Asn326Ser)

Gene: OAT (ornithine aminotransferase; minus strand). Cytogenetic location: 10q26.13.
Variant type: single nucleotide variant.
Coding change: c.977A>G on transcript NM_000274.4 (MANE Select); coding-DNA position 977, A replaced by G.
Protein change: p.Asn326Ser; replaces asparagine 326 with serine.
Molecular consequence: missense variant.
Genome position (GRCh38, 1-based): chr10:124,401,763, T>C on the plus strand (A>G on the coding strand, the complement: OAT is on the minus strand). VCF-style: chr10-124401763-T-C. GRCh37 (hg19) VCF-style: chr10-126090332-T-C.
Other names: c.563A>G, p.Asn188Ser (NM_001171814.2); c.977A>G, p.Asn326Ser (NM_001322965.2, NM_001322966.2, NM_001322967.2 and 3 more transcripts); c.656A>G, p.Asn219Ser (NM_001322971.2); c.377A>G, p.Asn126Ser (NM_001322974.2); short protein forms N219S, N326S, N126S, N188S.
Identifiers: ClinVar variation 954496 (VCV000954496.9), dbSNP rs371878605, ClinGen allele CA215246043.